The following is an entry in ClinVar:

NC_000016.9:g.(?_15802668)_(15854535_?)dup

Genes: MYH11 (myosin heavy chain 11; minus strand), NDE1 (nudE neurodevelopment protein 1; plus strand). Cytogenetic location: 16p13.11.
Variant type: Duplication.
Identifiers: ClinVar variation 3243436 (VCV003243436.1).

ClinVar aggregate classification (germline): Uncertain significance (1 of 4 stars; one submission).

Conditions:
Aortic aneurysm, familial thoracic 4 (AAT4). Also called: AORTIC ANEURYSM/AORTIC DISSECTION AND PATENT DUCTUS ARTERIOSUS. Identifiers: MedGen C1851504, MONDO:0007568, OMIM 132900.

Submission:

Labcorp Genetics (formerly Invitae), Labcorp
Classification: Uncertain significance for Aortic aneurysm, familial thoracic 4. Last evaluated: 2023-06-30. Review status: criteria provided, single submitter. Criteria: Invitae Variant Classification Sherloc (09022015). Collection method: clinical testing. Allele origin: unknown.
Comment: In summary, the available evidence is currently insufficient to determine the role of this variant in disease. Therefore, it has been classified as a Variant of Uncertain Significance. This variant has not been reported in the literature in individuals affected with MYH11-related conditions. This variant results in a copy number gain of the genomic region encompassing exon(s) 12-42 of the MYH11 gene. This region includes the termination codon of the gene. This copy number gain extends beyond the assayed region for this gene and therefore may encompass additional genes. As the precise location of this event is unknown, it may be in tandem or it may be located elsewhere in the genome.